The following is an entry in ClinVar:

ClinVar aggregate classification (germline): Likely benign. Review status: criteria provided, multiple submitters, no conflicts (2 of 4 stars). 3 submissions from 3 submitters: Likely benign (3). Last evaluated 2025-11-14.

Conditions:
Hyperphosphatasia with impaired intellectual development syndrome 2. Also called: Hyperphosphatasia with intellectual disability syndrome 2; GLYCOSYLPHOSPHATIDYLINOSITOL BIOSYNTHESIS DEFECT 6. Identifiers: Orphanet 247262, MedGen C3553637, MONDO:0013882, OMIM 614749.

Allele frequency attached by ClinVar (database versions not stated): gnomAD 0.00011 and 0.00014; TOPMed 0.00021; ExAC 0.00013; ESP Exome Variant Server 0.00008.
gnomAD v4.1: 152 of 1,613,850 alleles (0.0094%); highest among the groups gnomAD compares: East Asian, 0.13%; no homozygotes.

Submissions (3):

Labcorp Genetics (formerly Invitae), Labcorp
Classification: Likely benign for Hyperphosphatasia with impaired intellectual development syndrome 2. Last evaluated: 2025-11-14. Review status: criteria provided, single submitter. Criteria: Invitae Variant Classification Sherloc (09022015). Collection method: clinical testing. Allele origin: germline.

Blueprint Genetics
Classification: Likely benign. Last evaluated: 2024-10-17. Review status: criteria provided, single submitter. Criteria: ACMG Guidelines, 2015. Collection method: clinical testing. Allele origin: germline.

GeneDx
Classification: Likely benign. Last evaluated: 2017-08-22. Review status: criteria provided, single submitter. Criteria: GeneDx Variant Classification (06012015). Collection method: clinical testing. Allele origin: germline. Affected: yes.
Comment: This variant is considered likely benign or benign based on one or more of the following criteria: it is a conservative change, it occurs at a poorly conserved position in the protein, it is predicted to be benign by multiple in silico algorithms, and/or has population frequency not consistent with disease.

NM_032634.4(PIGO):c.939+12G>C

Gene: PIGO (phosphatidylinositol glycan anchor biosynthesis class O; minus strand). Cytogenetic location: 9p13.3.
Variant type: single nucleotide variant.
Coding change: c.939+12G>C on transcript NM_032634.4 (MANE Select); 12 bases into the intron after coding-DNA position 939, G replaced by C.
Molecular consequence: intron variant.
Genome position (GRCh38, 1-based): chr9:35,093,409, C>G on the plus strand (G>C on the coding strand, the complement: PIGO is on the minus strand). VCF-style: chr9-35093409-C-G. GRCh37 (hg19) VCF-style: chr9-35093406-C-G.
Other names: c.939+12G>C (NM_152850.4, NM_001201484.2).
Identifiers: ClinVar variation 383088 (VCV000383088.9), dbSNP rs370844887, ClinGen allele CA5040789.